The following is an entry in ClinVar:

NM_001371986.1(UNC80):c.5161C>T (p.Arg1721Cys)

Genes: UNC80 (unc-80 subunit of NALCN channel complex; plus strand), LOC126806490 (P300/CBP strongly-dependent group 1 enhancer GRCh37_chr2:210782411-210783610; plus strand). Cytogenetic location: 2q34.
Variant type: single nucleotide variant.
Coding change: c.5161C>T on transcript NM_001371986.1 (MANE Select); coding-DNA position 5161, C replaced by T.
Protein change: p.Arg1721Cys; replaces arginine 1721 with cysteine.
Molecular consequence: missense variant.
Genome position (GRCh38, 1-based): chr2:209,917,908, C>T. VCF-style: chr2-209917908-C-T. GRCh37 (hg19) VCF-style: chr2-210782632-C-T.
Other names: c.4963C>T, p.Arg1655Cys (NM_032504.2); c.4948C>T, p.Arg1650Cys (NM_182587.4); short protein forms R1655C, R1650C, R1721C.
Identifiers: ClinVar variation 545035 (VCV000545035.7), dbSNP rs1266989763, ClinGen allele CA350759297.

ClinVar aggregate classification (germline): Conflicting classifications of pathogenicity. Review status: criteria provided, conflicting classifications (1 of 4 stars). 3 submissions from 3 submitters: Pathogenic (1); Uncertain significance (1). 1 of the submissions does not count toward it. Last evaluated 2022-08-21.

Conditions:
Developmental and epileptic encephalopathy. Identifiers: MedGen C5779964, MONDO:0100620.

Allele frequency attached by ClinVar (database versions not stated): gnomAD exomes below 0.00001; TOPMed 0.00001; 1000 Genomes Project 30x 0.00016.

Submissions (3):

Labcorp Genetics (formerly Invitae), Labcorp
Classification: Uncertain significance. Last evaluated: 2022-08-21. Review status: criteria provided, single submitter. Criteria: Invitae Variant Classification Sherloc (09022015). Collection method: clinical testing. Allele origin: germline.
Comment: In summary, the available evidence is currently insufficient to determine the role of this variant in disease. Therefore, it has been classified as a Variant of Uncertain Significance. Algorithms developed to predict the effect of missense changes on protein structure and function are either unavailable or do not agree on the potential impact of this missense change (SIFT: "Not Available"; PolyPhen-2: "Probably Damaging"; Align-GVGD: "Not Available"). ClinVar contains an entry for this variant (Variation ID: 545035). This missense change has been observed in individual(s) with UNC80-related conditions (PMID: 29159939). In at least one individual the data is consistent with being in trans (on the opposite chromosome) from a pathogenic variant. This variant is not present in population databases (gnomAD no frequency). This sequence change replaces arginine, which is basic and polar, with cysteine, which is neutral and slightly polar, at codon 1655 of the UNC80 protein (p.Arg1655Cys).

AURAGEN, Plan France Médecine Génomique
Classification: Pathogenic for Developmental and epileptic encephalopathy. Last evaluated: 2022-05-05. Review status: criteria provided, single submitter. Criteria: PFMG2025 (Lancet Reg Health Eur. 2025). Collection method: clinical testing. Allele origin: germline. Affected: yes.

Laboratory of Molecular Genetics (Pr. Bezieau's lab), CHU de Nantes
Classification: Likely pathogenic. Last evaluated: 2016-07-06. Review status: no assertion criteria provided. Collection method: clinical testing. Allele origin: germline. Affected: yes. Not counted in ClinVar's aggregate classification.

Literature cited by the submitters: PubMed 29159939 (cited by Labcorp Genetics (formerly Invitae), Labcorp).